The following is an entry in ClinVar:

NM_001039591.3(USP9X):c.3226C>T (p.Leu1076Phe)

Gene: USP9X (ubiquitin specific peptidase 9 X-linked; plus strand). Cytogenetic location: Xp11.4.
Variant type: single nucleotide variant.
Coding change: c.3226C>T on transcript NM_001039591.3 (MANE Select); coding-DNA position 3226, C replaced by T.
Protein change: p.Leu1076Phe; replaces leucine 1076 with phenylalanine.
Molecular consequence: missense variant.
Genome position (GRCh38, 1-based): chrX:41,184,075, C>T. VCF-style: chrX-41184075-C-T. GRCh37 (hg19) VCF-style: chrX-41043328-C-T.
Other names: c.3226C>T, p.Leu1076Phe (NM_001039590.3); c.3241C>T, p.Leu1081Phe (NM_001410748.1, NM_001410749.1); short protein forms L1076F, L1081F.
Identifiers: ClinVar variation 3376098 (VCV003376098.1).
Genomic context (GRCh38, chrX:41,184,075, plus strand): 5'-AAATTAAGAGCTATTTGTTTAGACCATGCCAAACTTGGAGAAAGCAGCCTTAGTCCATCT[C>T]TTGACTCACTTTTCTTTGGTCCTTCAGCCTCACAAGTGCTATATCTAACAGAGGTTAGTT-3'
Protein context (NP_001034680.2, residues 1066-1086): KLGESSLSPS[Leu1076Phe]DSLFFGPSAS

ClinVar aggregate classification (germline): Uncertain significance (1 of 4 stars; one submission).

Submission:

GeneDx
Classification: Uncertain significance. Last evaluated: 2024-05-09. Review status: criteria provided, single submitter. Criteria: GeneDx Variant Classification Process June 2021. Collection method: clinical testing. Allele origin: germline. Affected: yes.
Comment: Not observed at significant frequency in large population cohorts (gnomAD); In silico analysis indicates that this missense variant does not alter protein structure/function; Has not been previously published as pathogenic or benign to our knowledge